The following is an entry in ClinVar:

NM_002098.6(GUCA1B):c.475+2T>C

Gene: GUCA1B (guanylate cyclase activator 1B; minus strand). Cytogenetic location: 6p21.1.
Variant type: single nucleotide variant.
Coding change: c.475+2T>C on transcript NM_002098.6 (MANE Select); the canonical splice donor site of the intron after coding-DNA position 475, T replaced by C.
Molecular consequence: splice donor variant.
Genome position (GRCh38, 1-based): chr6:42,185,678, A>G on the plus strand (T>C on the coding strand, the complement: GUCA1B is on the minus strand). VCF-style: chr6-42185678-A-G. GRCh37 (hg19) VCF-style: chr6-42153416-A-G.
Identifiers: ClinVar variation 1345887 (VCV001345887.6), dbSNP rs2113843956, ClinGen allele CA364112303.

ClinVar aggregate classification (germline): Uncertain significance (1 of 4 stars; one submission).

Submission:

Labcorp Genetics (formerly Invitae), Labcorp
Classification: Uncertain significance. Last evaluated: 2022-09-27. Review status: criteria provided, single submitter. Criteria: Invitae Variant Classification Sherloc (09022015). Collection method: clinical testing. Allele origin: germline.
Comment: This sequence change falls in intron 3 of the GUCA1B gene. It does not directly change the encoded amino acid sequence of the GUCA1B protein. It affects a nucleotide within the consensus splice site. This variant is not present in population databases (gnomAD no frequency). This variant has not been reported in the literature in individuals affected with GUCA1B-related conditions. ClinVar contains an entry for this variant (Variation ID: 1345887). Variants that disrupt the consensus splice site are a relatively common cause of aberrant splicing (PMID: 17576681, 9536098). Algorithms developed to predict the effect of sequence changes on RNA splicing suggest that this variant may disrupt the consensus splice site. In summary, the available evidence is currently insufficient to determine the role of this variant in disease. Therefore, it has been classified as a Variant of Uncertain Significance.

Literature cited by the submitters: PubMed 17576681; PubMed 9536098.